The following is an entry in ClinVar:

NM_000093.5(COL5A1):c.2430+196C>T

Gene: COL5A1 (collagen type V alpha 1 chain; plus strand). Cytogenetic location: 9q34.3.
Variant type: single nucleotide variant.
Coding change: c.2430+196C>T on transcript NM_000093.5 (MANE Select); 196 bases into the intron after coding-DNA position 2430, C replaced by T.
Molecular consequence: intron variant.
Genome position (GRCh38, 1-based): chr9:134,780,342, C>T. VCF-style: chr9-134780342-C-T. GRCh37 (hg19) VCF-style: chr9-137672188-C-T.
Other names: c.2430+196C>T (NM_001278074.1).
Identifiers: ClinVar variation 675600 (VCV000675600.1), dbSNP rs75545068, ClinGen allele CA201103536.

ClinVar aggregate classification (germline): Benign (1 of 4 stars; one submission).

Allele frequency attached by ClinVar (database versions not stated): gnomAD 0.01987 and 0.02124; 1000 Genomes Project 0.02057; 1000 Genomes Project 30x 0.02249; TOPMed 0.02272.
gnomAD v4.1: 3,003 of 152,220 alleles (2%); highest among the groups gnomAD compares: African/African-American, 6.8%; 121 homozygotes.

Submission:

GeneDx
Classification: Benign. Last evaluated: 2018-06-14. Review status: criteria provided, single submitter. Criteria: GeneDx Variant Classification (06012015). Collection method: clinical testing. Allele origin: germline. Affected: yes.
Comment: This variant is considered likely benign or benign based on one or more of the following criteria: it is a conservative change, it occurs at a poorly conserved position in the protein, it is predicted to be benign by multiple in silico algorithms, and/or has population frequency not consistent with disease.